The following is an entry in ClinVar:

NM_005592.4(MUSK):c.218C>T (p.Thr73Ile)

Gene: MUSK (muscle associated receptor tyrosine kinase; plus strand). Cytogenetic location: 9q31.3.
Variant type: single nucleotide variant.
Coding change: c.218C>T on transcript NM_005592.4 (MANE Select); coding-DNA position 218, C replaced by T.
Protein change: p.Thr73Ile; replaces threonine 73 with isoleucine.
Molecular consequence: missense variant.
Genome position (GRCh38, 1-based): chr9:110,687,128, C>T. VCF-style: chr9-110687128-C-T. GRCh37 (hg19) VCF-style: chr9-113449408-C-T.
Other names: c.218C>T, p.Thr73Ile (NM_001166280.2, NM_001166281.2); short protein forms T73I.
Identifiers: ClinVar variation 542751 (VCV000542751.9), dbSNP rs750101214, ClinGen allele CA374664190.

ClinVar aggregate classification (germline): Uncertain significance (1 of 4 stars; one submission).

Conditions:
Fetal akinesia deformation sequence 1 (FADS1). Also called: Fetal akinesia sequence; Pena-Shokeir syndrome type I. Identifiers: Orphanet 994, MedGen C1276035, MONDO:0100101, OMIM 208150, HP:0001989.
Congenital myasthenic syndrome 9. Also called: Myasthenic syndrome, congenital, 9, associated with acetylcholine receptor deficiency. Identifiers: Orphanet 590, MedGen C4225368, MONDO:0014587, OMIM 616325.

Submission:

Labcorp Genetics (formerly Invitae), Labcorp
Classification: Uncertain significance for Congenital myasthenic syndrome 9; Fetal akinesia deformation sequence 1. Last evaluated: 2017-10-30. Review status: criteria provided, single submitter. Criteria: Invitae Variant Classification Sherloc (09022015). Collection method: clinical testing. Allele origin: germline.
Comment: This sequence change replaces threonine with isoleucine at codon 73 of the MUSK protein (p.Thr73Ile). The threonine residue is highly conserved and there is a moderate physicochemical difference between threonine and isoleucine. This variant is not present in population databases (ExAC no frequency). This variant has not been reported in the literature in individuals with MUSK-related disease. Algorithms developed to predict the effect of missense changes on protein structure and function do not agree on the potential impact of this missense change (SIFT: "Tolerated"; PolyPhen-2: "Probably Damaging"; Align-GVGD: "Class C0"). In summary, the available evidence is currently insufficient to determine the role of this variant in disease. Therefore, it has been classified as a Variant of Uncertain Significance.